The following is an entry in ClinVar:

ClinVar aggregate classification (germline): Conflicting classifications of pathogenicity. Review status: criteria provided, conflicting classifications (1 of 4 stars). 3 submissions from 3 submitters: Uncertain significance (1); Likely benign (2). Last evaluated 2026-01-22.

Allele frequency attached by ClinVar (database versions not stated): gnomAD exomes below 0.00001; gnomAD 0.00001 and 0.00002.
gnomAD v4.1: 5 of 1,613,090 alleles (0.00031%); highest among the groups gnomAD compares: Admixed American, 0.005%; 1 homozygote.

Submissions (3):

GeneDx
Classification: Uncertain significance. Last evaluated: 2026-01-22. Review status: criteria provided, single submitter. Criteria: GeneDx Variant Classification Process June 2021. Collection method: clinical testing. Allele origin: germline.
Comment: Not observed at significant frequency in large population cohorts (gnomAD); In silico analysis suggests that this variant does not alter splicing; Has not been previously published as pathogenic or benign to our knowledge

Labcorp Genetics (formerly Invitae), Labcorp
Classification: Likely benign. Last evaluated: 2025-01-20. Review status: criteria provided, single submitter. Criteria: Invitae Variant Classification Sherloc (09022015). Collection method: clinical testing. Allele origin: germline.

Blueprint Genetics
Classification: Likely benign. Last evaluated: 2024-11-25. Review status: criteria provided, single submitter. Criteria: ACMG Guidelines, 2015. Collection method: clinical testing. Allele origin: germline.

NM_000478.6(ALPL):c.1311T>C (p.Ala437=)

Gene: ALPL (alkaline phosphatase, biomineralization associated; plus strand). Cytogenetic location: 1p36.12.
Variant type: single nucleotide variant.
Coding change: c.1311T>C on transcript NM_000478.6 (MANE Select); coding-DNA position 1311, T replaced by C.
Protein change: p.Ala437=; no amino-acid change (alanine 437 retained).
Molecular consequence: synonymous variant.
Genome position (GRCh38, 1-based): chr1:21,577,384, T>C. VCF-style: chr1-21577384-T-C. GRCh37 (hg19) VCF-style: chr1-21903877-T-C.
Other names: c.1146T>C, p.Ala382= (NM_001127501.4); c.1080T>C, p.Ala360= (NM_001177520.3); c.1311T>C, p.Ala437= (NM_001369803.2, NM_001369804.2, NM_001369805.2); c.1311T>C (NM_000478.4).
Identifiers: ClinVar variation 1139760 (VCV001139760.11), dbSNP rs1050277249, ClinGen allele CA19071973.